The following is an entry in ClinVar:

ClinVar aggregate classification (germline): Uncertain significance. Review status: criteria provided, multiple submitters, no conflicts (2 of 4 stars). 3 submissions from 3 submitters: Uncertain significance (3). Last evaluated 2026-02-19.

Conditions:
PLEC-related disorder. Also called: PLEC-related condition; PLEC-related disorders.
Autosomal recessive limb-girdle muscular dystrophy type 2Q (LGMDR17). Also called: MUSCULAR DYSTROPHY, LIMB-GIRDLE, AUTOSOMAL RECESSIVE 17. Identifiers: Orphanet 254361, MedGen C3150989, MONDO:0013390, OMIM 613723.
Epidermolysis bullosa simplex, Ogna type (EBS5A). Also called: Pidermolysis bullosa simplex 5A, Ogna type; EPIDERMOLYSIS BULLOSA SIMPLEX 5A, OGNA TYPE. Identifiers: Orphanet 79401, MedGen C0432317, MONDO:0007555, OMIM 131950.
Epidermolysis bullosa simplex with nail dystrophy (EBS5D). Identifiers: MedGen C4225309, MONDO:0014661, OMIM 616487.
Epidermolysis bullosa simplex 5C, with pyloric atresia (EBS5C). Also called: PLEC-Related Epidermolysis Bullosa with Pyloric Atresia; Epidermolysis bullosa simplex with pyloric atresia; PLEC1-Related Epidermolysis Bullosa with Pyloric Atresia. Identifiers: Orphanet 158684, MedGen C2677349, MONDO:0012807, OMIM 612138.
Epidermolysis bullosa simplex 5B, with muscular dystrophy (EBS5B). Also called: EPIDERMOLYSIS BULLOSA SIMPLEX AND LIMB-GIRDLE MUSCULAR DYSTROPHY; Epidermolysis bullosa simplex with muscular dystrophy. Identifiers: Orphanet 257, MedGen C2931072, MONDO:0009181, OMIM 226670.

Allele frequency attached by ClinVar (database versions not stated): gnomAD exomes 0.00001 and 0.00002; gnomAD 0.00007 and 0.00008; TOPMed 0.00008; 1000 Genomes Project 30x 0.00016; 1000 Genomes Project 0.00020.
gnomAD v4.1: 19 of 1,535,452 alleles (0.0012%); highest among the groups gnomAD compares: African/African-American, 0.023%; no homozygotes.

Submissions (3):

PreventionGenetics, part of Exact Sciences
Classification: Uncertain significance for PLEC-related condition. Last evaluated: 2026-02-19. Review status: criteria provided, single submitter. Criteria: ACMG Guidelines, 2015. Collection method: clinical testing. Allele origin: germline.
Comment: The PLEC c.5341G>A variant is predicted to result in the amino acid substitution p.Glu1781Lys. To our knowledge, this variant has not been reported in the literature. This variant is reported in 0.027% of alleles in individuals of African descent in gnomAD. At this time, the clinical significance of this variant is uncertain due to the absence of conclusive functional and genetic evidence.

Labcorp Genetics (formerly Invitae), Labcorp
Classification: Uncertain significance for Autosomal recessive limb-girdle muscular dystrophy type 2Q; Epidermolysis bullosa simplex, Ogna type; Epidermolysis bullosa simplex with nail dystrophy; Epidermolysis bullosa simplex 5C, with pyloric atresia; Epidermolysis bullosa simplex 5B, with muscular dystrophy. Last evaluated: 2025-08-18. Review status: criteria provided, single submitter. Criteria: Invitae Variant Classification Sherloc (09022015). Collection method: clinical testing. Allele origin: germline.
Comment: This sequence change replaces glutamic acid, which is acidic and polar, with lysine, which is basic and polar, at codon 1781 of the PLEC protein (p.Glu1781Lys). This variant is present in population databases (rs567416889, gnomAD 0.03%). This variant has not been reported in the literature in individuals affected with PLEC-related conditions. ClinVar contains an entry for this variant (Variation ID: 854065). Experimental studies and prediction algorithms are not available or were not evaluated, and the functional significance of this variant is currently unknown. In summary, the available evidence is currently insufficient to determine the role of this variant in disease. Therefore, it has been classified as a Variant of Uncertain Significance.

Revvity Omics, Revvity
Classification: Uncertain significance. Last evaluated: 2019-07-05. Review status: criteria provided, single submitter. Criteria: ACMG Guidelines, 2015. Collection method: clinical testing. Allele origin: germline.

NM_201384.3(PLEC):c.5260G>A (p.Glu1754Lys)

Gene: PLEC (plectin; minus strand). Cytogenetic location: 8q24.3.
Variant type: single nucleotide variant.
Coding change: c.5260G>A on transcript NM_201384.3 (MANE Select); coding-DNA position 5260, G replaced by A.
Protein change: p.Glu1754Lys; replaces glutamic acid 1754 with lysine.
Molecular consequence: missense variant.
Genome position (GRCh38, 1-based): chr8:143,924,669, C>T on the plus strand (G>A on the coding strand, the complement: PLEC is on the minus strand). VCF-style: chr8-143924669-C-T. GRCh37 (hg19) VCF-style: chr8-144998837-C-T.
Other names: c.5341G>A, p.Glu1781Lys (NM_000445.5); c.5218G>A, p.Glu1740Lys (NM_201378.4); c.5194G>A, p.Glu1732Lys (NM_201379.3); c.5671G>A, p.Glu1891Lys (NM_201380.4); c.5164G>A, p.Glu1722Lys (NM_201381.3); c.5260G>A, p.Glu1754Lys (NM_201382.4); c.5272G>A, p.Glu1758Lys (NM_201383.3); c.5341G>A (NM_000445.3); short protein forms E1722K, E1732K, E1754K, E1781K, E1740K, E1758K, E1891K.
Identifiers: ClinVar variation 854065 (VCV000854065.10), dbSNP rs567416889, ClinGen allele CA187616110.
Genomic context (GRCh38, chr8:143,924,669, plus strand): 5'-CCCTCGCCTTGCTGGCCAGCAGCACCTCCATCTCGGCCCGCACCTTGGCCAGCTCGGCTT[C>T]CAGCTCCTGCCGTTTCTGCGTGGCTGCAGCCGCCTCACGCTGCAGCCGGGCCAGCTCCTC-3'
Protein context (NP_958786.1, residues 1744-1764): AAATQKRQEL[Glu1754Lys]AELAKVRAEM